The following is an entry in ClinVar:

NM_000256.3(MYBPC3):c.442G>A (p.Gly148Arg)

Gene: MYBPC3 (myosin binding protein C3; minus strand). Cytogenetic location: 11p11.2.
Variant type: single nucleotide variant.
Coding change: c.442G>A on transcript NM_000256.3 (MANE Select); coding-DNA position 442, G replaced by A.
Protein change: p.Gly148Arg; replaces glycine 148 with arginine.
Molecular consequence: missense variant.
Genome position (GRCh38, 1-based): chr11:47,350,077, C>T on the plus strand (G>A on the coding strand, the complement: MYBPC3 is on the minus strand). VCF-style: chr11-47350077-C-T. GRCh37 (hg19) VCF-style: chr11-47371628-C-T.
Other names: short protein forms G148R.
Identifiers: ClinVar variation 42752 (VCV000042752.103), dbSNP rs397516050, ClinGen allele CA015105.
Genomic context (GRCh38, chr11:47,350,077, plus strand): 5'-CGGTCACCTCGCCATCCTGTGGCCGCATCACGAAGAGGCCAATGGGGTCATCGGGGGCTC[C>T]AGGGGTAGGACCATTGAGAGCTGCTGAGCTTGACCCTGTGAGCAAAGGCTTTTTCTGTTT-3'
Protein context (NP_000247.2, residues 138-158): SSAALNGPTP[Gly148Arg]APDDPIGLFV

ClinVar aggregate classification (germline): Conflicting classifications of pathogenicity. Review status: criteria provided, conflicting classifications (1 of 4 stars). 28 submissions from 28 submitters: Pathogenic (5); Likely pathogenic (11); Uncertain significance (9). 3 of the submissions do not count toward it. Last evaluated 2026-08-29.

Conditions:
MYBPC3-related disorder. Also called: MYBPC3-related disorders; MYBPC3-related condition; MYBPC3-related disease.
Cardiovascular phenotype. Identifiers: MedGen CN230736.
Cardiomyopathy (CMYO). Also called: Cardiomyopathies. Identifiers: Orphanet 167848, MedGen C0878544, MONDO:0004994, HP:0001638. Inheritance: Various modes of inheritance.
Primary familial hypertrophic cardiomyopathy (HCM). Identifiers: Orphanet 99739, MedGen C0949658, MeSH D024741, MONDO:0024573. Inheritance: Various modes of inheritance.
Hypertrophic cardiomyopathy 4. Also called: Familial hypertrophic cardiomyopathy 4. Identifiers: MedGen C1861862, MONDO:0007268, OMIM 115197.
Hypertrophic cardiomyopathy. Also called: HYPERTROPHIC MYOCARDIOPATHY. Identifiers: Orphanet 217569, MedGen C0007194, MeSH D002312, MONDO:0005045, HP:0001639.

Allele frequency attached by ClinVar (database versions not stated): ExAC 0.00004; gnomAD exomes 0.00006 and 0.00011; gnomAD 0.00011; TOPMed 0.00011.
gnomAD v4.1: 172 of 1,561,288 alleles (0.011%); highest among the groups gnomAD compares: Non-Finnish European, 0.014%; no homozygotes.

Submissions 1 to 7 of 28:

GeneDx
Classification: Likely pathogenic. Last evaluated: 2026-08-29. Review status: criteria provided, single submitter. Criteria: GeneDx Variant Classification Process June 2021. Collection method: clinical testing. Allele origin: germline.
Comment: In silico analysis supports a deleterious effect on splicing; In silico analysis suggests that this missense variant does not alter protein structure/function; This variant is associated with the following publications: (PMID: 25210889, 22267749, 18409188, 20474083, 20530761, 30291343, 25335496, 27650965, 20378854, 23861362, 27532257, 28794111, 28679633, 28790153, 29988065, 29447731, 29121657, 29709087, 31293105, 30847666, 32480058, 33662488, 35288587, 36243179, 33782553, 36264615, 37652022, 39633578, 38642550, 30763825, 39486665, 38456273, 36578016)

Ambry Genetics
Classification: Likely pathogenic for Cardiovascular phenotype. Last evaluated: 2026-08-04. Review status: criteria provided, single submitter. Criteria: Ambry Variant Classification Scheme 2023. Collection method: clinical testing. Allele origin: germline.
Comment: The c.442G>A (p.G148R) alteration is located in exon 4 (coding exon 4) of the MYBPC3 gene. This alteration results from a G to A substitution at nucleotide position 442, causing the glycine (G) at amino acid position 148 to be replaced by an arginine (R). However, this variant likely exhibits low penetrance in the heterozygous state and may represent a risk factor that manifests clinically only in the presence of additional genetic or environmental factors. Based on data from gnomAD, the A allele has an overall frequency of 0.007% (13/200668) total alleles studied. The highest observed frequency was 0.016% (13/83936) of European (non-Finnish) alleles. This variant has been detected in cohorts or patients with various cardiovascular phenotypes including hypertrophic cardiomyopathy (HCM), left ventricular non-compaction (LVNC), arrhythmogenic right ventricular cardiomyopathy (ARVC), and dilated cardiomyopathy (DCM), and has been reported in families, frequently co-occurring with additional variants in MYBPC3 and other cardiac-related genes where compound heterozygous cases have presented with severe or early-onset phenotype (Hoedemaekers, 2010; Saltzman, 2010; Page, 2012; Meinke, 2014; van Velzen, 2017; van Waning, 2018; Te Rijdt, 2019; Alimohamed, 2021). In one or more case control studies, this variant was found to be associated with MYBPC3-related hypertrophic cardiomyopathy (McGurk, 2023; Meisner, 2025). This nucleotide position is well conserved in available vertebrate species. Functional studies in patient-derived induced pluripotent stem cells suggest this variant causes myocyte hypertrophy and sarcomere disorganization; however, the physiological relevance of these findings are unclear (Kinnear, 2024). RNA studies have demonstrated that this variant results in an incomplete splice defect in the set of samples tested (Ambry internal data; Meisner, 2025). In silico splice site analysis predicts that this alteration will result in the creation or strengthening of a novel splice acceptor site. Based on the available evidence, this alteration is classified as likely pathogenic.

CeGaT Center for Human Genetics Tuebingen
Classification: Pathogenic. Last evaluated: 2026-04-01. Review status: criteria provided, single submitter. Criteria: CeGaT Center For Human Genetics Tuebingen Variant Classification Criteria Version 2. Collection method: clinical testing. Allele origin: germline. Affected: yes. Observed: 5 variant alleles.
Comment: MYBPC3: PVS1, PS4, PM2:Supporting

Women's Health and Genetics/Laboratory Corporation of America, LabCorp
Classification: Likely pathogenic for Primary familial hypertrophic cardiomyopathy. Last evaluated: 2026-03-20. Review status: criteria provided, single submitter. Criteria: LabCorp Variant Classification Summary - May 2015. Collection method: clinical testing. Allele origin: germline.
Comment: Variant summary: MYBPC3 c.442G>A (p.Gly148Arg) results in a non-conservative amino acid change in the encoded protein sequence. Algorithms developed to predict the effect of missense changes on protein structure and function are either unavailable or do not agree on the potential impact of this missense change. The variant allele was found at a frequency of 6.5e-05 in 169270 control chromosomes. This frequency is not significantly higher than estimated for disease-causing variants in MYBPC3, allowing no conclusion about variant significance. c.442G>A has been observed in individuals affected with Hypertrophic Cardiomyopathy or Left Ventricular Noncompaction Cardiomyopathy, including cases where it was found in the compound heterozygous state together with a second pathogenic variant in individuals affected in childhood and the variant has also been found to segregate within affected families (e.g. Fokstuen_ 2008, Hoedemaekers_2010, Saltzman_2010, Page_2012, Sabater-Molina_2013, Christiansen_2016, Burns_2017, van Velzen_2017, Walsh_ 2017, Viswanathan_2018, van Waning_2018, Alimohamed_2021, Lesurf_2022). These data indicate that the variant is likely to be associated with disease. To our knowledge, no experimental evidence demonstrating an impact on protein function has been reported. The following publications have been ascertained in the context of this evaluation (PMID: 33662488, 28790153, 27650965, 18409188, 20530761, 28679633, 35288587, 22267749, 20378854, 29121657, 27532257, 29661763, 29447731). ClinVar contains an entry for this variant (Variation ID: 42752). Based on the evidence outlined above, the variant was classified as likely pathogenic.

Labcorp Genetics (formerly Invitae), Labcorp
Classification: Likely pathogenic for Hypertrophic cardiomyopathy. Last evaluated: 2026-01-19. Review status: criteria provided, single submitter. Criteria: Invitae Variant Classification Sherloc (09022015). Collection method: clinical testing. Allele origin: germline.
Comment: This sequence change replaces glycine, which is neutral and non-polar, with arginine, which is basic and polar, at codon 148 of the MYBPC3 protein (p.Gly148Arg). This variant is present in population databases (rs397516050, gnomAD 0.02%). This missense change has been observed in individuals with hypertrophic cardiomyopathy (HCM) and left ventricular noncompaction cardiomyopathy (LVNC) in isolation as well as with a second variant. It may have a lower penetrance in the heterozygous state than would be expected with other disease-causing alleles in this gene, but can present as severe hypertrophic cardiomyopathy in the presence of a second variant (PMID: 20378854, 20530761, 22267749, 25210889, 27532257, 29661763, 29709087, 30847666, 32369506, 32480058, 32588587, 37652022; internal data). It has also been observed to segregate with disease in related individuals. ClinVar contains an entry for this variant (Variation ID: 42752). An algorithm developed to predict the effect of missense changes on protein structure and function (PolyPhen-2) suggests that this variant is likely to be tolerated. Algorithms developed to predict the effect of sequence changes on RNA splicing suggest that this variant may disrupt the consensus splice site. In summary, the currently available evidence indicates that the variant is pathogenic, but additional data are needed to prove that conclusively. Therefore, this variant has been classified as Likely Pathogenic.

PreventionGenetics, part of Exact Sciences
Classification: Likely pathogenic for MYBPC3-related condition. Last evaluated: 2025-12-19. Review status: criteria provided, single submitter. Criteria: ACMG Guidelines, 2015. Collection method: clinical testing. Allele origin: germline.
Comment: The MYBPC3 c.442G>A variant is predicted to result in the amino acid substitution p.Gly148Arg. This variant has been reported in multiple individuals with hypertrophic cardiomyopathy or sudden unexplained death (Page et al. 2012. PubMed ID: 22267749; Meinke et al. 2014. PubMed ID: 25210889; Christiansen et al. 2016. PubMed ID: 27650965; Burns et al. 2017. PubMed ID: 28790153; Walsh et al. 2017. PubMed ID: 27532257). Additionally, this variant has been found to be in trans with a second MYBPC3 variant and segregated with hypertrophic cardiomyopathy in several family members who were heterozygous for only the c.442G>A variant (Hoedemaekers et al. 2010. PubMed ID: 20530761; Saltzman et al. 2010. PubMed ID: 20378854; van Velzen et al. 2017. PubMed ID: 28794111; van Waning et al. 2018. PubMed ID: 29447731). In silico tools and RNA sequencing data indicate this variant may impact splicing (Supplemental dataset 6 - Ito et al. 2017. PubMed ID: 28679633). This variant has conflicting interpretations of pathogenicity in ClinVar ranging from pathogenic to uncertain (Variation ID: 42752). Based on the available evidence, we consider the MYBPC3 c.442G>A variant to be likely pathogenic.

Institute of Immunology and Genetics Kaiserslautern
Classification: Likely pathogenic for Hypertrophic cardiomyopathy 4. Last evaluated: 2025-12-16. Review status: criteria provided, single submitter. Criteria: ACMG Guidelines, 2015. Collection method: clinical testing. Allele origin: germline. Affected: yes.
Comment: ACMG Criteria: PS4, PM2_P, PM3; Variant was found in homozygous state.